The following is an entry in ClinVar:

ClinVar aggregate classification (germline): Uncertain significance (1 of 4 stars; one submission).

Submission:

Labcorp Genetics (formerly Invitae), Labcorp
Classification: Uncertain significance. Last evaluated: 2025-02-20. Review status: criteria provided, single submitter. Criteria: Invitae Variant Classification Sherloc (09022015). Collection method: clinical testing. Allele origin: germline.
Comment: This sequence change replaces tyrosine, which is neutral and polar, with phenylalanine, which is neutral and non-polar, at codon 23 of the FLI1 protein (p.Tyr23Phe). This variant is not present in population databases (gnomAD no frequency). This variant has not been reported in the literature in individuals affected with FLI1-related conditions. Invitae Evidence Modeling of protein sequence and biophysical properties (such as structural, functional, and spatial information, amino acid conservation, physicochemical variation, residue mobility, and thermodynamic stability) indicates that this missense variant is not expected to disrupt FLI1 protein function with a negative predictive value of 80%. In summary, the available evidence is currently insufficient to determine the role of this variant in disease. Therefore, it has been classified as a Variant of Uncertain Significance.

NM_002017.5(FLI1):c.68A>T (p.Tyr23Phe)

Gene: FLI1 (Fli-1 proto-oncogene, ETS transcription factor; plus strand). Cytogenetic location: 11q24.3.
Variant type: single nucleotide variant.
Coding change: c.68A>T on transcript NM_002017.5 (MANE Select); coding-DNA position 68, A replaced by T.
Protein change: p.Tyr23Phe; replaces tyrosine 23 with phenylalanine.
Molecular consequence: missense variant. On other transcripts: 5 prime UTR variant (6).
Genome position (GRCh38, 1-based): chr11:128,758,164, A>T. VCF-style: chr11-128758164-A-T. GRCh37 (hg19) VCF-style: chr11-128628059-A-T.
Other names: c.-32A>T (NM_001167681.3, NM_001440369.1, NM_001440370.1 and 1 more transcripts); c.-302A>T (NM_001271010.2); c.-153A>T (NM_001271012.2); c.68A>T, p.Tyr23Phe (NM_001440372.1); short protein forms Y23F.
Identifiers: ClinVar variation 4740621 (VCV004740621.1).